The following is an entry in ClinVar:

ClinVar aggregate classification (germline): Uncertain significance (1 of 4 stars; one submission).

Conditions:
Gastrointestinal stromal tumor. Also called: Gastrointestinal stromal tumor, somatic; Gastrointestinal stroma tumor. Identifiers: Orphanet 44890, MedGen C0238198, MeSH D046152, MONDO:0011719, OMIM 606764, HP:0100723.

Submission:

Labcorp Genetics (formerly Invitae), Labcorp
Classification: Uncertain significance for Gastrointestinal stromal tumor. Last evaluated: 2023-02-21. Review status: criteria provided, single submitter. Criteria: Invitae Variant Classification Sherloc (09022015). Collection method: clinical testing. Allele origin: germline.
Comment: This sequence change replaces serine, which is neutral and polar, with threonine, which is neutral and polar, at codon 643 of the PDGFRA protein (p.Ser643Thr). This variant is not present in population databases (gnomAD no frequency). This variant has not been reported in the literature in individuals affected with PDGFRA-related conditions. Advanced modeling of protein sequence and biophysical properties (such as structural, functional, and spatial information, amino acid conservation, physicochemical variation, residue mobility, and thermodynamic stability) has been performed at Invitae for this missense variant, however the output from this modeling did not meet the statistical confidence thresholds required to predict the impact of this variant on PDGFRA protein function. In summary, the available evidence is currently insufficient to determine the role of this variant in disease. Therefore, it has been classified as a Variant of Uncertain Significance.

NM_006206.6(PDGFRA):c.1927T>A (p.Ser643Thr)

Gene: PDGFRA (platelet derived growth factor receptor alpha; plus strand). Cytogenetic location: 4q12.
Variant type: single nucleotide variant.
Coding change: c.1927T>A on transcript NM_006206.6 (MANE Select); coding-DNA position 1927, T replaced by A.
Protein change: p.Ser643Thr; replaces serine 643 with threonine.
Molecular consequence: missense variant.
Genome position (GRCh38, 1-based): chr4:54,277,931, T>A. VCF-style: chr4-54277931-T-A. GRCh37 (hg19) VCF-style: chr4-55144098-T-A.
Other names: c.1927T>A, p.Ser643Thr (NM_001347827.2, NM_001347829.2); c.2002T>A, p.Ser668Thr (NM_001347828.2); c.1966T>A, p.Ser656Thr (NM_001347830.2); short protein forms S643T, S656T, S668T.
Identifiers: ClinVar variation 2901796 (VCV002901796.3), dbSNP rs2475511066, ClinGen allele CA356893641.